The following is an entry in ClinVar:

NM_006892.4(DNMT3B):c.1160C>T (p.Ser387Leu)

Gene: DNMT3B (DNA methyltransferase 3 beta; plus strand). Cytogenetic location: 20q11.21.
Variant type: single nucleotide variant.
Coding change: c.1160C>T on transcript NM_006892.4 (MANE Select); coding-DNA position 1160, C replaced by T.
Protein change: p.Ser387Leu; replaces serine 387 with leucine.
Molecular consequence: missense variant.
Genome position (GRCh38, 1-based): chr20:32,795,442, C>T. VCF-style: chr20-32795442-C-T. GRCh37 (hg19) VCF-style: chr20-31383248-C-T.
Other names: c.974C>T, p.Ser325Leu (NM_001424354.1, NM_001424357.1, NM_001207055.2); c.1160C>T, p.Ser387Leu (NM_001424355.1, NM_001424351.1); c.1034C>T, p.Ser345Leu (NM_001424356.1, NM_001424358.1, NM_001424352.1); c.1136C>T, p.Ser379Leu (NM_001424359.1, NM_175850.3); c.1010C>T, p.Ser337Leu (NM_001424360.1); c.1100C>T, p.Ser367Leu (NM_175848.2, NM_175849.2, NM_001424353.1); c.872C>T, p.Ser291Leu (NM_001207056.2); short protein forms S291L, S325L, S337L, S345L, S367L, S379L, S387L.
Identifiers: ClinVar variation 3613806 (VCV003613806.2).

ClinVar aggregate classification (germline): Uncertain significance (1 of 4 stars; one submission).

Conditions:
Centromeric instability of chromosomes 1,9 and 16 and immunodeficiency (ICF1). Also called: Immunodeficiency-centromeric instability-facial anomalies; CENTROMERIC INSTABILITY, IMMUNODEFICIENCY SYNDROME; IMMUNE DEFICIENCY, VARIABLE, WITH CENTROMERIC INSTABILITY OF CHROMOSOMES 1, 9, AND 16; IMMUNODEFICIENCY SYNDROME, VARIABLE. Identifiers: Orphanet 2268, MedGen C0398788, MONDO:0000133.

Submission:

Labcorp Genetics (formerly Invitae), Labcorp
Classification: Uncertain significance for Centromeric instability of chromosomes 1,9 and 16 and immunodeficiency. Last evaluated: 2024-06-12. Review status: criteria provided, single submitter. Criteria: Invitae Variant Classification Sherloc (09022015). Collection method: clinical testing. Allele origin: germline.
Comment: This sequence change replaces serine, which is neutral and polar, with leucine, which is neutral and non-polar, at codon 387 of the DNMT3B protein (p.Ser387Leu). This variant is not present in population databases (gnomAD no frequency). This variant has not been reported in the literature in individuals affected with DNMT3B-related conditions. Advanced modeling of protein sequence and biophysical properties (such as structural, functional, and spatial information, amino acid conservation, physicochemical variation, residue mobility, and thermodynamic stability) performed at Invitae indicates that this missense variant is not expected to disrupt DNMT3B protein function with a negative predictive value of 80%. In summary, the available evidence is currently insufficient to determine the role of this variant in disease. Therefore, it has been classified as a Variant of Uncertain Significance.